The following is an entry in ClinVar:

NM_000334.4(SCN4A):c.2054C>T (p.Thr685Met)

Genes: GH-LCR (growth hormone locus control region; plus strand), SCN4A (sodium voltage-gated channel alpha subunit 4; minus strand). Cytogenetic location: 17q23.3.
Variant type: single nucleotide variant.
Coding change: c.2054C>T on transcript NM_000334.4 (MANE Select); coding-DNA position 2054, C replaced by T.
Protein change: p.Thr685Met; replaces threonine 685 with methionine.
Molecular consequence: missense variant.
Genome position (GRCh38, 1-based): chr17:63,957,484, G>A on the plus strand (C>T on the coding strand, the complement: SCN4A is on the minus strand). VCF-style: chr17-63957484-G-A. GRCh37 (hg19) VCF-style: chr17-62034844-G-A.
Other names: short protein forms T685M.
Identifiers: ClinVar variation 663625 (VCV000663625.10), dbSNP rs140022722, ClinGen allele CA8709664.

ClinVar aggregate classification (germline): Uncertain significance. Review status: criteria provided, multiple submitters, no conflicts (2 of 4 stars). 2 submissions from 2 submitters: Uncertain significance (2). Last evaluated 2025-09-19.

Conditions:
SCN4A-related disorder. Also called: SCN4A-related disorders.
Hyperkalemic periodic paralysis. Also called: Familial hyperkalemic periodic paralysis; Gamstorp disease. Identifiers: Orphanet 682, MedGen C0238357, MONDO:0008224, OMIM 170500, HP:0007215.

Allele frequency attached by ClinVar (database versions not stated): gnomAD exomes 0.00002 and 0.00004; ExAC 0.00004; gnomAD 0.00006 and 0.00007; TOPMed 0.00008; 1000 Genomes Project 30x 0.00016; 1000 Genomes Project 0.00020.
gnomAD v4.1: 35 of 1,613,150 alleles (0.0022%); highest among the groups gnomAD compares: African/African-American, 0.032%; no homozygotes.

Submissions (2):

PreventionGenetics, part of Exact Sciences
Classification: Uncertain significance for SCN4A-related condition. Last evaluated: 2025-09-19. Review status: criteria provided, single submitter. Criteria: ACMG Guidelines, 2015. Collection method: clinical testing. Allele origin: germline.
Comment: The SCN4A c.2054C>T variant is predicted to result in the amino acid substitution p.Thr685Met. This variant has not been reported in the literature. This variant is reported in 0.045% of alleles in individuals of African descent in gnomAD. In vitro functional characterization suggests that this variant is deleterious (Alekov et al. 2001. PubMed ID: 11422459). At this time, the clinical significance of this variant is uncertain due to the absence of conclusive functional and genetic evidence.

Labcorp Genetics (formerly Invitae), Labcorp
Classification: Uncertain significance for Hyperkalemic periodic paralysis. Last evaluated: 2025-05-11. Review status: criteria provided, single submitter. Criteria: Invitae Variant Classification Sherloc (09022015). Collection method: clinical testing. Allele origin: germline.
Comment: This sequence change replaces threonine, which is neutral and polar, with methionine, which is neutral and non-polar, at codon 685 of the SCN4A protein (p.Thr685Met). This variant is present in population databases (rs140022722, gnomAD 0.05%). This variant has not been reported in the literature in individuals affected with SCN4A-related conditions. ClinVar contains an entry for this variant (Variation ID: 663625). Invitae Evidence Modeling of protein sequence and biophysical properties (such as structural, functional, and spatial information, amino acid conservation, physicochemical variation, residue mobility, and thermodynamic stability) indicates that this missense variant is expected to disrupt SCN4A protein function with a positive predictive value of 80%. Experimental studies have shown that this missense change affects SCN4A function (PMID: 11422459). In summary, the available evidence is currently insufficient to determine the role of this variant in disease. Therefore, it has been classified as a Variant of Uncertain Significance.

Literature cited by the submitters: PubMed 11422459 (cited by Labcorp Genetics (formerly Invitae), Labcorp).